The following is an entry in ClinVar:

ClinVar aggregate classification (germline): Uncertain significance (1 of 4 stars; one submission).

gnomAD v4.1: 1 of 1,613,920 alleles (0.000062%); no homozygotes.

Submission:

GeneDx
Classification: Uncertain significance. Last evaluated: 2024-07-30. Review status: criteria provided, single submitter. Criteria: GeneDx Variant Classification Process June 2021. Collection method: clinical testing. Allele origin: germline. Affected: yes.
Comment: Not observed at significant frequency in large population cohorts (gnomAD); Missense variants in this gene are a common cause of disease and they are underrepresented in the general population; In silico analysis indicates that this missense variant does not alter protein structure/function; Has not been previously published as pathogenic or benign to our knowledge; This variant is associated with the following publications: (PMID: 29493581)

NM_005633.4(SOS1):c.3940C>T (p.His1314Tyr)

Gene: SOS1 (SOS Ras/Rac guanine nucleotide exchange factor 1; minus strand). Cytogenetic location: 2p22.1.
Variant type: single nucleotide variant.
Coding change: c.3940C>T on transcript NM_005633.4 (MANE Select); coding-DNA position 3940, C replaced by T.
Protein change: p.His1314Tyr; replaces histidine 1314 with tyrosine.
Molecular consequence: missense variant.
Genome position (GRCh38, 1-based): chr2:38,985,886, G>A on the plus strand (C>T on the coding strand, the complement: SOS1 is on the minus strand). VCF-style: chr2-38985886-G-A. GRCh37 (hg19) VCF-style: chr2-39213027-G-A.
Other names: c.3919C>T, p.His1307Tyr (NM_001382394.1); c.3895C>T, p.His1299Tyr (NM_001382395.1); short protein forms H1299Y, H1307Y, H1314Y.
Identifiers: ClinVar variation 3602508 (VCV003602508.1).